The following is an entry in ClinVar:

NM_000059.4(BRCA2):c.5170dup (p.Ile1724fs)

Gene: BRCA2 (BRCA2 DNA repair associated; plus strand). Cytogenetic location: 13q13.1.
Variant type: Duplication.
Coding change: c.5170dup on transcript NM_000059.4 (MANE Select); coding-DNA position 5170, one base duplicated (A; older notation c.5170dupA).
Protein change: p.Ile1724fs; shifts the reading frame from isoleucine 1724.
Molecular consequence: frameshift variant.
Genome position (GRCh38, 1-based): chr13:32,339,525, A duplicated. VCF-style (leftmost placement, unchanged base first): chr13-32339524-T-TA. GRCh37 (hg19) VCF-style: chr13-32913661-T-TA.
Other names: c.5170dupA (NM_000059.3); short protein forms I1724fs.
Identifiers: ClinVar variation 254553 (VCV000254553.5), dbSNP rs886038121, ClinGen allele CA10586537.

ClinVar aggregate classification (germline): Pathogenic. Review status: reviewed by expert panel (3 of 4 stars). 2 submissions from 2 submitters: Pathogenic (1). 1 of the submissions does not count toward it. Last evaluated 2016-09-08.

Conditions:
Breast-ovarian cancer, familial, susceptibility to, 2 (BROVCA2). Also called: BRCA2 Hereditary Breast and Ovarian Cancer. Identifiers: Orphanet 145, MedGen C2675520, MONDO:0012933, OMIM 612555. Disease mechanism: loss of function.

Submissions (2):

Evidence-based Network for the Interpretation of Germline Mutant Alleles (ENIGMA)
Classification: Pathogenic for Breast-ovarian cancer, familial, susceptibility to, 2. Last evaluated: 2016-09-08. Review status: reviewed by expert panel. Criteria: ENIGMA BRCA1/2 Classification Criteria (2015). Collection method: curation. Allele origin: germline.
Comment: Variant allele predicted to encode a truncated non-functional protein.

Consortium of Investigators of Modifiers of BRCA1/2 (CIMBA), c/o University of Cambridge
Classification: Pathogenic for Breast-ovarian cancer, familial, susceptibility to, 2. Last evaluated: 2015-10-02. Review status: criteria provided, single submitter. Criteria: CIMBA Mutation Classification guidelines May 2016. Collection method: clinical testing. Allele origin: germline. Not counted in ClinVar's aggregate classification.